The following is an entry in ClinVar:

NM_000518.5(HBB):c.316-106C>A

Genes: HBB (hemoglobin subunit beta; minus strand), LOC107133510 (origin of replication at HBB; plus strand), LOC110006319 (beta-globin gene 3' regulatory region; plus strand). Cytogenetic location: 11p15.4.
Variant type: single nucleotide variant.
Coding change: c.316-106C>A on transcript NM_000518.5 (MANE Select); 106 bases into the intron before coding-DNA position 316, C replaced by A.
Molecular consequence: intron variant.
Genome position (GRCh38, 1-based): chr11:5,225,832, G>T on the plus strand (C>A on the coding strand, the complement: HBB is on the minus strand). VCF-style: chr11-5225832-G-T. GRCh37 (hg19) VCF-style: chr11-5247062-G-T.
Other names: c.316-106C>A (NM_000518.4).
Identifiers: ClinVar variation 2445766 (VCV002445766.1), dbSNP rs34690599, ClinGen allele CA2580083913.

ClinVar aggregate classification (germline): Uncertain significance (1 of 4 stars; one submission).

gnomAD v4.1: 1 of 1,169,072 alleles (0.000086%); highest among the groups gnomAD compares: Non-Finnish European, 0.00013%; no homozygotes.

Submission:

Women's Health and Genetics/Laboratory Corporation of America, LabCorp
Classification: Uncertain significance. Last evaluated: 2023-02-10. Review status: criteria provided, single submitter. Criteria: LabCorp Variant Classification Summary - May 2015. Collection method: clinical testing. Allele origin: germline.
Comment: Variant summary: HBB c.316-106C>A is located at a position not widely known to affect splicing. 4/4 computational tools predict no significant impact on normal splicing. However, these predictions have yet to be confirmed by functional studies. The variant was absent in 31394 control chromosomes (gnomAD). The available data on variant occurrences in the general population are insufficient to allow any conclusion about variant significance. c.316-106C>A has been reported in the literature in the heterozygous state in one individual with Beta + Thalassemia (Arpaci_2021) . This report does not provide unequivocal conclusions about association of the variant with Hemoglobinopathy. To our knowledge, no experimental evidence demonstrating an impact on protein function has been reported. No clinical diagnostic laboratories have submitted clinical-significance assessments for this variant to ClinVar after 2014. Based on the evidence outlined above, the variant was classified as VUS-possibly benign.

Literature cited by the submitters: PubMed 33851260.